The following is an entry in ClinVar:

ClinVar aggregate classification (germline): Likely benign (1 of 4 stars; one submission).

Conditions:
CREBBP-related disorder. Also called: CREBBP-related condition; CREBBP-related disorders.

gnomAD v4.1: 12 of 1,613,996 alleles (0.00074%); highest among the groups gnomAD compares: Non-Finnish European, 0.001%; no homozygotes.

Submission:

PreventionGenetics, part of Exact Sciences
Classification: Likely benign for CREBBP-related condition. Last evaluated: 2025-05-27. Review status: criteria provided, single submitter. Criteria: ACMG Guidelines, 2015. Collection method: clinical testing. Allele origin: germline.
Comment: This variant is classified as likely benign based on ACMG/AMP sequence variant interpretation guidelines (Richards et al. 2015 PMID: 25741868, with internal and published modifications).

NM_004380.3(CREBBP):c.2283+4A>G

Gene: CREBBP (CREB binding lysine acetyltransferase; minus strand). Cytogenetic location: 16p13.3.
Variant type: single nucleotide variant.
Coding change: c.2283+4A>G on transcript NM_004380.3 (MANE Select); 4 bases into the intron after coding-DNA position 2283, A replaced by G.
Molecular consequence: intron variant.
Genome position (GRCh38, 1-based): chr16:3,774,565, T>C on the plus strand (A>G on the coding strand, the complement: CREBBP is on the minus strand). VCF-style: chr16-3774565-T-C. GRCh37 (hg19) VCF-style: chr16-3824566-T-C.
Other names: c.2169+4A>G (NM_001079846.1).
Identifiers: ClinVar variation 4998083 (VCV004998083.1).